The following is an entry in ClinVar:

NM_023110.3(FGFR1):c.153G>A (p.Leu51=)

Gene: FGFR1 (fibroblast growth factor receptor 1; minus strand). Cytogenetic location: 8p11.23.
Variant type: single nucleotide variant.
Coding change: c.153G>A on transcript NM_023110.3 (MANE Select); coding-DNA position 153, G replaced by A.
Protein change: p.Leu51=; no amino-acid change (leucine 51 retained).
Molecular consequence: synonymous variant. On other transcripts: intron variant (5).
Genome position (GRCh38, 1-based): chr8:38,429,887, C>T on the plus strand (G>A on the coding strand, the complement: FGFR1 is on the minus strand). VCF-style: chr8-38429887-C-T. GRCh37 (hg19) VCF-style: chr8-38287405-C-T.
Other names: c.153G>A, p.Leu51= (NM_001174063.2, NM_001174065.2, NM_001354367.2 and 2 more transcripts); c.129G>A, p.Leu43= (NM_001174064.2); c.252G>A, p.Leu84= (NM_001174067.2); c.92-1452G>A (NM_001354368.2, NM_001354370.2, NM_023106.3 and 2 more transcripts).
Identifiers: ClinVar variation 507081 (VCV000507081.1), dbSNP rs749915271, ClinGen allele CA4718870.

ClinVar aggregate classification (germline): Likely benign (1 of 4 stars; one submission).

Allele frequency attached by ClinVar (database versions not stated): gnomAD exomes below 0.00001; ExAC 0.00001; TOPMed below 0.00001 and 0.00001; gnomAD 0.00001.
gnomAD v4.1: 5 of 1,613,860 alleles (0.00031%); highest among the groups gnomAD compares: Non-Finnish European, 0.00042%; no homozygotes.

Submission:

GeneDx
Classification: Likely benign. Last evaluated: 2017-01-25. Review status: criteria provided, single submitter. Criteria: GeneDx Variant Classification (06012015). Collection method: clinical testing. Allele origin: germline. Affected: yes.
Comment: This variant is considered likely benign or benign based on one or more of the following criteria: it is a conservative change, it occurs at a poorly conserved position in the protein, it is predicted to be benign by multiple in silico algorithms, and/or has population frequency not consistent with disease.